The following is an entry in ClinVar:

NM_001329943.3(KIAA0586):c.38dup (p.Ile14fs)

Gene: KIAA0586 (KIAA0586; plus strand). Cytogenetic location: 14q23.1.
Variant type: Duplication.
Coding change: c.38dup on transcript NM_001329943.3 (MANE Select); coding-DNA position 38, one base duplicated (A; older notation c.38dupA).
Protein change: p.Ile14fs; shifts the reading frame from isoleucine 14.
Molecular consequence: frameshift variant. On other transcripts: 5 prime UTR variant (1), intron variant (5).
Genome position (GRCh38, 1-based): chr14:58,428,302, A duplicated; the last of 8 consecutive A bases (chr14:58,428,295-58,428,302); duplicating any one gives the same sequence. VCF-style (leftmost placement, unchanged base first): chr14-58428294-G-GA. GRCh37 (hg19) VCF-style: chr14-58895012-G-GA.
Other names: c.74dup, p.Ile26fs (NM_001244189.2); c.-8dup (NM_001244190.2); c.38dup, p.Ile14fs (NM_001329944.2, NM_001329946.2, NM_001329947.2 and 1 more transcripts); c.-57+665dup (NM_001244192.2, NM_001244191.2); c.-57+489dup (NM_001364701.2, NM_001329945.2, NM_001364700.1); c.74dupA (NM_001244189.1); short protein forms I26fs, I14fs.
Identifiers: ClinVar variation 575236 (VCV000575236.10), dbSNP rs745949846, ClinGen allele CA614733271.

ClinVar aggregate classification (germline): Pathogenic/Likely pathogenic. Review status: criteria provided, multiple submitters, no conflicts (2 of 4 stars). 4 submissions from 4 submitters: Pathogenic (2); Likely pathogenic (1). 1 of the submissions does not count toward it. Last evaluated 2025-02-16.

Conditions:
Joubert syndrome 23 (JBTS23). Identifiers: Orphanet 475, MedGen C4084822, MONDO:0014664, OMIM 616490.
Short-rib thoracic dysplasia 14 with polydactyly (SRTD14). Identifiers: Orphanet 397715, MedGen C4225286, MONDO:0014688, OMIM 616546.
KIAA0586-related disorder. Also called: KIAA0586- Related disorders; KIAA0586-related condition.

Submissions (4):

Laboratory of Genetics, Children's Clinical University Hospital Latvia
Classification: Pathogenic. Last evaluated: 2025-02-16. Review status: criteria provided, single submitter. Criteria: ACMG Guidelines, 2015. Collection method: clinical testing. Allele origin: germline. Affected: yes.

Blueprint Genetics
Classification: Likely pathogenic for KIAA0586-related disorders. Last evaluated: 2024-08-09. Review status: criteria provided, single submitter. Criteria: ACMG Guidelines, 2015. Collection method: clinical testing. Allele origin: germline. Affected: yes. Observed: 5 variant alleles.

Labcorp Genetics (formerly Invitae), Labcorp
Classification: Pathogenic for Joubert syndrome 23; Short-rib thoracic dysplasia 14 with polydactyly. Last evaluated: 2023-11-13. Review status: criteria provided, single submitter. Criteria: Invitae Variant Classification Sherloc (09022015). Collection method: clinical testing. Allele origin: germline.
Comment: This sequence change creates a premature translational stop signal (p.Ile26Aspfs*2) in the KIAA0586 gene. It is expected to result in an absent or disrupted protein product. Loss-of-function variants in KIAA0586 are known to be pathogenic (PMID: 26096313, 26166481, 26386044). The frequency data for this variant in the population databases is considered unreliable, as metrics indicate poor data quality at this position in the gnomAD database. This variant has not been reported in the literature in individuals affected with KIAA0586-related conditions. ClinVar contains an entry for this variant (Variation ID: 575236). Algorithms developed to predict the effect of sequence changes on RNA splicing suggest that this variant may disrupt the consensus splice site. For these reasons, this variant has been classified as Pathogenic.

Bioscientia Institut fuer Medizinische Diagnostik GmbH, Sonic Healthcare
Classification: Pathogenic for Short-rib thoracic dysplasia 14 with polydactyly. Last evaluated: 2019-03-19. Review status: no assertion criteria provided. Collection method: clinical testing. Allele origin: germline. Affected: yes. Not counted in ClinVar's aggregate classification.

Literature cited by the submitters: PubMed 26096313 (cited by Labcorp Genetics (formerly Invitae), Labcorp); PubMed 26166481 (cited by Labcorp Genetics (formerly Invitae), Labcorp); PubMed 26386044 (cited by Labcorp Genetics (formerly Invitae), Labcorp).